The following is an entry in ClinVar:

NM_001457.4(FLNB):c.893G>C (p.Gly298Ala)

Gene: FLNB (filamin B; plus strand). Cytogenetic location: 3p14.3.
Variant type: single nucleotide variant.
Coding change: c.893G>C on transcript NM_001457.4 (MANE Select); coding-DNA position 893, G replaced by C.
Protein change: p.Gly298Ala; replaces glycine 298 with alanine.
Molecular consequence: missense variant.
Genome position (GRCh38, 1-based): chr3:58,094,941, G>C. VCF-style: chr3-58094941-G-C. GRCh37 (hg19) VCF-style: chr3-58080668-G-C.
Other names: c.893G>C, p.Gly298Ala (NM_001164317.2, NM_001164318.2, NM_001164319.2); short protein forms G298A.
Identifiers: ClinVar variation 2973818 (VCV002973818.3), dbSNP rs2471043106, ClinGen allele CA353334547.

ClinVar aggregate classification (germline): Uncertain significance (1 of 4 stars; one submission).

Submission:

Labcorp Genetics (formerly Invitae), Labcorp
Classification: Uncertain significance. Last evaluated: 2023-07-31. Review status: criteria provided, single submitter. Criteria: Invitae Variant Classification Sherloc (09022015). Collection method: clinical testing. Allele origin: germline.
Comment: In summary, the available evidence is currently insufficient to determine the role of this variant in disease. Therefore, it has been classified as a Variant of Uncertain Significance. Advanced modeling of protein sequence and biophysical properties (such as structural, functional, and spatial information, amino acid conservation, physicochemical variation, residue mobility, and thermodynamic stability) performed at Invitae indicates that this missense variant is not expected to disrupt FLNB protein function. This variant has not been reported in the literature in individuals affected with FLNB-related conditions. This variant is not present in population databases (gnomAD no frequency). This sequence change replaces glycine, which is neutral and non-polar, with alanine, which is neutral and non-polar, at codon 298 of the FLNB protein (p.Gly298Ala).